The following is an entry in ClinVar:

NM_003907.3(EIF2B5):c.325T>G (p.Ser109Ala)

Gene: EIF2B5 (eukaryotic translation initiation factor 2B subunit epsilon; plus strand). Cytogenetic location: 3q27.1.
Variant type: single nucleotide variant.
Coding change: c.325T>G on transcript NM_003907.3 (MANE Select); coding-DNA position 325, T replaced by G.
Protein change: p.Ser109Ala; replaces serine 109 with alanine.
Molecular consequence: missense variant.
Genome position (GRCh38, 1-based): chr3:184,137,624, T>G. VCF-style: chr3-184137624-T-G. GRCh37 (hg19) VCF-style: chr3-183855412-T-G.
Other names: short protein forms S109A.
Identifiers: ClinVar variation 3365381 (VCV003365381.1).
Genomic context (GRCh38, chr3:184,137,624, plus strand): 5'-GCTCAAATGATCTTTATGCTTGATACACTCATTCCCCTCACCCTCCCTTCCTTTAGGAAG[T>G]CAAAGTGGTGCCGCCCTACATCTCTCAATGTGGTTCGAATAATTACATCAGAGCTCTATC-3'
Protein context (NP_003898.2, residues 99-119): AAQIKEHLLK[Ser109Ala]KWCRPTSLNV

ClinVar aggregate classification (germline): Uncertain significance (1 of 4 stars; one submission).

Submission:

GeneDx
Classification: Uncertain significance. Last evaluated: 2023-12-12. Review status: criteria provided, single submitter. Criteria: GeneDx Variant Classification Process June 2021. Collection method: clinical testing. Allele origin: germline. Affected: yes.
Comment: Not observed at significant frequency in large population cohorts (gnomAD); In silico analysis supports that this missense variant does not alter protein structure/function; Has not been previously published as pathogenic or benign to our knowledge